The following is an entry in ClinVar:

ClinVar aggregate classification (germline): Uncertain significance (1 of 4 stars; one submission).

gnomAD v4.1: 1 of 1,551,600 alleles (0.000064%); highest among the groups gnomAD compares: Non-Finnish European, 0.000087%; no homozygotes.

Submission:

Labcorp Genetics (formerly Invitae), Labcorp
Classification: Uncertain significance. Last evaluated: 2022-11-05. Review status: criteria provided, single submitter. Criteria: Invitae Variant Classification Sherloc (09022015). Collection method: clinical testing. Allele origin: germline.
Comment: In summary, the available evidence is currently insufficient to determine the role of this variant in disease. Therefore, it has been classified as a Variant of Uncertain Significance. Algorithms developed to predict the effect of missense changes on protein structure and function are either unavailable or do not agree on the potential impact of this missense change (SIFT: "Not Available"; PolyPhen-2: "Probably Damaging"; Align-GVGD: "Not Available"). This variant has not been reported in the literature in individuals affected with UNC80-related conditions. This variant is not present in population databases (gnomAD no frequency). This sequence change replaces tryptophan, which is neutral and slightly polar, with leucine, which is neutral and non-polar, at codon 1088 of the UNC80 protein (p.Trp1088Leu).

NM_001371986.1(UNC80):c.3257G>T (p.Trp1086Leu)

Gene: UNC80 (unc-80 subunit of NALCN channel complex; plus strand). Cytogenetic location: 2q34.
Variant type: single nucleotide variant.
Coding change: c.3257G>T on transcript NM_001371986.1 (MANE Select); coding-DNA position 3257, G replaced by T.
Protein change: p.Trp1086Leu; replaces tryptophan 1086 with leucine.
Molecular consequence: missense variant.
Genome position (GRCh38, 1-based): chr2:209,840,548, G>T. VCF-style: chr2-209840548-G-T. GRCh37 (hg19) VCF-style: chr2-210705272-G-T.
Other names: c.3263G>T, p.Trp1088Leu (NM_032504.2); c.3248G>T, p.Trp1083Leu (NM_182587.4); short protein forms W1083L, W1086L, W1088L.
Identifiers: ClinVar variation 2010235 (VCV002010235.4), dbSNP rs2471005262, ClinGen allele CA350730591.